The following is an entry in ClinVar:

NC_000006.12:g.(?_128883226)_(129516367_?)del

Genes: LAMA2 (laminin subunit alpha 2; plus strand), LOC123864065 (Sharpr-MPRA regulatory region 661; plus strand), LOC126859783 (P300/CBP strongly-dependent group 1 enhancer GRCh37_chr6:129811717-129812916; plus strand), LOC126859784 (CDK7 strongly-dependent group 2 enhancer GRCh37_chr6:129822854-129824053; plus strand). Cytogenetic location: 6q22.33.
Variant type: Deletion.
Identifiers: ClinVar variation 543886 (VCV000543886.1).

ClinVar aggregate classification (germline): Pathogenic (1 of 4 stars; one submission).

Conditions:
LAMA2-related muscular dystrophy (LAMA2-RD). Also called: Laminin alpha 2-related dystrophy. Identifiers: MedGen C5679788, MONDO:0100228.

Submission:

Labcorp Genetics (formerly Invitae), Labcorp
Classification: Pathogenic for LAMA2-related muscular dystrophy. Last evaluated: 2017-09-13. Review status: criteria provided, single submitter. Criteria: Invitae Variant Classification Sherloc (09022015). Collection method: clinical testing. Allele origin: germline.
Comment: A gross deletion of the genomic region encompassing the full coding sequence of the LAMA2 gene has been identified. The boundaries of this event are unknown as the deletion extends beyond the assayed region for this gene and therefore may encompass additional genes. This variant has not been reported in the literature in individuals with LAMA2-related disease. Loss-of-function variants in LAMA2 are known to be pathogenic (PMID: 18700894). For these reasons, this variant has been classified as Pathogenic.